The following is an entry in ClinVar:

NM_001367624.2(ZNF469):c.4631G>A (p.Gly1544Glu)

Gene: ZNF469 (zinc finger protein 469; plus strand). Cytogenetic location: 16q24.2.
Variant type: single nucleotide variant.
Coding change: c.4631G>A on transcript NM_001367624.2 (MANE Select); coding-DNA position 4631, G replaced by A.
Protein change: p.Gly1544Glu; replaces glycine 1544 with glutamic acid.
Molecular consequence: missense variant.
Genome position (GRCh38, 1-based): chr16:88,432,101, G>A. VCF-style: chr16-88432101-G-A. GRCh37 (hg19) VCF-style: chr16-88498509-G-A.
Other names: short protein forms G1544E.
Identifiers: ClinVar variation 4750550 (VCV004750550.1).

ClinVar aggregate classification (germline): Uncertain significance (1 of 4 stars; one submission).

Submission:

Labcorp Genetics (formerly Invitae), Labcorp
Classification: Uncertain significance. Last evaluated: 2025-11-12. Review status: criteria provided, single submitter. Criteria: Invitae Variant Classification Sherloc (09022015). Collection method: clinical testing. Allele origin: germline.
Comment: This sequence change replaces glycine, which is neutral and non-polar, with glutamic acid, which is acidic and polar, at codon 1516 of the ZNF469 protein (p.Gly1516Glu). This variant is not present in population databases (gnomAD no frequency). This variant has not been reported in the literature in individuals affected with ZNF469-related conditions. An algorithm developed to predict the effect of missense changes on protein structure and function outputs the following: PolyPhen-2: "Benign". The glutamic acid amino acid residue is found in multiple mammalian species, which suggests that this missense change does not adversely affect protein function. In summary, the available evidence is currently insufficient to determine the role of this variant in disease. Therefore, it has been classified as a Variant of Uncertain Significance.